The following is an entry in ClinVar:

NM_206933.4(USH2A):c.283C>A (p.Pro95Thr)

Gene: USH2A (usherin; minus strand). Cytogenetic location: 1q41.
Variant type: single nucleotide variant.
Coding change: c.283C>A on transcript NM_206933.4 (MANE Select); coding-DNA position 283, C replaced by A.
Protein change: p.Pro95Thr; replaces proline 95 with threonine.
Molecular consequence: missense variant.
Genome position (GRCh38, 1-based): chr1:216,422,054, G>T on the plus strand (C>A on the coding strand, the complement: USH2A is on the minus strand). VCF-style: chr1-216422054-G-T. GRCh37 (hg19) VCF-style: chr1-216595396-G-T.
Other names: c.283C>A, p.Pro95Thr (NM_007123.6); short protein forms P95T.
Identifiers: ClinVar variation 2420032 (VCV002420032.3), dbSNP rs767339477, ClinGen allele CA1396821.

ClinVar aggregate classification (germline): Uncertain significance (1 of 4 stars; one submission).

Allele frequency attached by ClinVar (database versions not stated): gnomAD exomes below 0.00001; TOPMed below 0.00001; gnomAD 0.00001; ExAC 0.00002.
gnomAD v4.1: 2 of 1,613,678 alleles (0.00012%); highest among the groups gnomAD compares: Admixed American, 0.0033%; no homozygotes.

Submission:

Labcorp Genetics (formerly Invitae), Labcorp
Classification: Uncertain significance. Last evaluated: 2022-05-30. Review status: criteria provided, single submitter. Criteria: Invitae Variant Classification Sherloc (09022015). Collection method: clinical testing. Allele origin: germline.
Comment: This sequence change replaces proline, which is neutral and non-polar, with threonine, which is neutral and polar, at codon 95 of the USH2A protein (p.Pro95Thr). The frequency data for this variant in the population databases is considered unreliable, as metrics indicate poor data quality at this position in the gnomAD database. This variant has not been reported in the literature in individuals affected with USH2A-related conditions. Algorithms developed to predict the effect of missense changes on protein structure and function are either unavailable or do not agree on the potential impact of this missense change (SIFT: "Deleterious"; PolyPhen-2: "Possibly Damaging"; Align-GVGD: "Class C0"). In summary, the available evidence is currently insufficient to determine the role of this variant in disease. Therefore, it has been classified as a Variant of Uncertain Significance.